The following is an entry in ClinVar:

NM_024656.4(COLGALT1):c.154C>T (p.Pro52Ser)

Gene: COLGALT1 (collagen beta(1-O)galactosyltransferase 1; plus strand). Cytogenetic location: 19p13.11.
Variant type: single nucleotide variant.
Coding change: c.154C>T on transcript NM_024656.4 (MANE Select); coding-DNA position 154, C replaced by T.
Protein change: p.Pro52Ser; replaces proline 52 with serine.
Molecular consequence: missense variant.
Genome position (GRCh38, 1-based): chr19:17,555,867, C>T. VCF-style: chr19-17555867-C-T. GRCh37 (hg19) VCF-style: chr19-17666676-C-T.
Other names: short protein forms P52S.
Identifiers: ClinVar variation 1975101 (VCV001975101.3), dbSNP rs1465396700, ClinGen allele CA404691879.

ClinVar aggregate classification (germline): Uncertain significance. Review status: criteria provided, multiple submitters, no conflicts (2 of 4 stars). 2 submissions from 2 submitters: Uncertain significance (2). Last evaluated 2024-11-18.

Allele frequency attached by ClinVar (database versions not stated): TOPMed 0.00002; gnomAD exomes 0.00003; gnomAD 0.00005.
gnomAD v4.1: 43 of 1,378,340 alleles (0.0031%); highest among the groups gnomAD compares: Non-Finnish European, 0.0039%; no homozygotes.

Submissions (2):

Blueprint Genetics
Classification: Uncertain significance. Last evaluated: 2024-11-18. Review status: criteria provided, single submitter. Criteria: ACMG Guidelines, 2015. Collection method: clinical testing. Allele origin: germline.

Labcorp Genetics (formerly Invitae), Labcorp
Classification: Uncertain significance. Last evaluated: 2022-08-08. Review status: criteria provided, single submitter. Criteria: Invitae Variant Classification Sherloc (09022015). Collection method: clinical testing. Allele origin: germline.
Comment: This sequence change replaces proline, which is neutral and non-polar, with serine, which is neutral and polar, at codon 52 of the COLGALT1 protein (p.Pro52Ser). The frequency data for this variant in the population databases is considered unreliable, as metrics indicate poor data quality at this position in the gnomAD database. This variant has not been reported in the literature in individuals affected with COLGALT1-related conditions. Algorithms developed to predict the effect of missense changes on protein structure and function are either unavailable or do not agree on the potential impact of this missense change (SIFT: "Not Available"; PolyPhen-2: "Probably Damaging"; Align-GVGD: "Not Available"). In summary, the available evidence is currently insufficient to determine the role of this variant in disease. Therefore, it has been classified as a Variant of Uncertain Significance.